The following is an entry in ClinVar:

NM_000051.4(ATM):c.4818T>C (p.Leu1606=)

Gene: ATM (ATM serine/threonine kinase; plus strand). Cytogenetic location: 11q22.3.
Variant type: single nucleotide variant.
Coding change: c.4818T>C on transcript NM_000051.4 (MANE Select); coding-DNA position 4818, T replaced by C.
Protein change: p.Leu1606=; no amino-acid change (leucine 1606 retained).
Molecular consequence: synonymous variant.
Genome position (GRCh38, 1-based): chr11:108,294,968, T>C. VCF-style: chr11-108294968-T-C. GRCh37 (hg19) VCF-style: chr11-108165695-T-C.
Other names: c.4818T>C, p.Leu1606= (NM_001351834.2).
Identifiers: ClinVar variation 387968 (VCV000387968.20), dbSNP rs772074468, ClinGen allele CA6265560.
Genomic context (GRCh38, chr11:108,294,968, plus strand): 5'-GTTACATTTTCTCTTTTAGGAAATTAACCATTTTCTCTCAGTAAGTGTTTATGATGCACT[T>C]CCATTGACAAGACTTGAAGGACTAAAGGATCTTCGAAGACAACTGGAACTACATAAAGAT-3'
Protein context (NP_000042.3, residues 1596-1616): HFLSVSVYDA[Leu1606=]PLTRLEGLKD

ClinVar aggregate classification (germline): Benign/Likely benign. Review status: criteria provided, multiple submitters, no conflicts (2 of 4 stars). 6 submissions from 6 submitters: Benign (1); Likely benign (5). Last evaluated 2024-05-21.

Conditions:
Familial cancer of breast. Also called: BREAST CANCER, FAMILIAL; hereditary breast carcinoma; Hereditary breast cancer. Identifiers: Orphanet 227535, MedGen C0346153, MONDO:0016419, OMIM 114480. Disease mechanism: loss of function.
Hereditary cancer-predisposing syndrome. Also called: Neoplastic Syndromes, Hereditary; Hereditary neoplastic syndrome; Tumor predisposition; Hereditary Cancer Syndrome. Identifiers: Orphanet 140162, MedGen C0027672, MeSH D009386, MONDO:0015356.
Ataxia-telangiectasia syndrome (AT). Also called: AT, COMPLEMENTATION GROUP C; ATAXIA-TELANGIECTASIA, COMPLEMENTATION GROUP A; ATAXIA-TELANGIECTASIA, FRESNO VARIANT; LOUIS-BAR SYNDROME; Ataxia-telangiectasia; Cerebello-oculocutaneous telangiectasia. Identifiers: Orphanet 100, MedGen C0004135, MONDO:0008840, OMIM 208900.

Allele frequency attached by ClinVar (database versions not stated): gnomAD exomes below 0.00001; TOPMed below 0.00001; ExAC 0.00001.
gnomAD v4.1: 2 of 1,613,896 alleles (0.00012%); highest among the groups gnomAD compares: Non-Finnish European, 0.00017%; no homozygotes.

Submissions (6):

Myriad Genetics, Inc.
Classification: Benign for Familial cancer of breast. Last evaluated: 2024-05-21. Review status: criteria provided, single submitter. Criteria: Myriad Autosomal Dominant, Autosomal Recessive and X-Linked Classification Criteria (2023). Collection method: clinical testing. Allele origin: unknown.
Comment: This variant is considered benign. This variant is a silent/synonymous amino acid change and it is not expected to impact splicing.

Institute for Biomarker Research, Medical Diagnostic Laboratories, L.L.C.
Classification: Likely benign for Hereditary cancer-predisposing syndrome. Last evaluated: 2024-04-09. Review status: criteria provided, single submitter. Criteria: ACMG Guidelines, 2015. Collection method: clinical testing. Allele origin: germline.

Labcorp Genetics (formerly Invitae), Labcorp
Classification: Likely benign for Ataxia-telangiectasia syndrome. Last evaluated: 2023-02-28. Review status: criteria provided, single submitter. Criteria: Invitae Variant Classification Sherloc (09022015). Collection method: clinical testing. Allele origin: germline.

Color Diagnostics, LLC DBA Color Health
Classification: Likely benign for Hereditary cancer-predisposing syndrome. Last evaluated: 2019-03-12. Review status: criteria provided, single submitter. Criteria: ACMG Guidelines, 2015. Collection method: clinical testing. Allele origin: germline.

Ambry Genetics
Classification: Likely benign for Hereditary cancer-predisposing syndrome. Last evaluated: 2018-04-26. Review status: criteria provided, single submitter. Criteria: Ambry Variant Classification Scheme 2023. Collection method: clinical testing. Allele origin: germline.

GeneDx
Classification: Likely benign. Last evaluated: 2017-09-28. Review status: criteria provided, single submitter. Criteria: GeneDx Variant Classification (06012015). Collection method: clinical testing. Allele origin: germline. Affected: yes.
Comment: This variant is considered likely benign or benign based on one or more of the following criteria: it is a conservative change, it occurs at a poorly conserved position in the protein, it is predicted to be benign by multiple in silico algorithms, and/or has population frequency not consistent with disease.